The following is an entry in ClinVar:

NM_006767.4(LZTR1):c.20C>G (p.Thr7Arg)

Genes: LZTR1 (leucine zipper like post translational regulator 1; plus strand), LOC130067016 (ATAC-STARR-seq lymphoblastoid silent region 13504; plus strand). Cytogenetic location: 22q11.21.
Variant type: single nucleotide variant.
Coding change: c.20C>G on transcript NM_006767.4 (MANE Select); coding-DNA position 20, C replaced by G.
Protein change: p.Thr7Arg; replaces threonine 7 with arginine.
Molecular consequence: missense variant.
Genome position (GRCh38, 1-based): chr22:20,982,391, C>G. VCF-style: chr22-20982391-C-G. GRCh37 (hg19) VCF-style: chr22-21336680-C-G.
Other names: short protein forms T7R.
Identifiers: ClinVar variation 1785875 (VCV001785875.4), dbSNP rs2518607576, ClinGen allele CA410777442.

ClinVar aggregate classification (germline): Conflicting classifications of pathogenicity. Review status: criteria provided, conflicting classifications (1 of 4 stars). 2 submissions from 2 submitters: Uncertain significance (1); Likely benign (1). Last evaluated 2025-07-15.

Conditions:
Hereditary cancer-predisposing syndrome. Also called: Neoplastic Syndromes, Hereditary; Tumor predisposition; Hereditary Cancer Syndrome; Hereditary neoplastic syndrome. Identifiers: Orphanet 140162, MedGen C0027672, MeSH D009386, MONDO:0015356.
Cardiovascular phenotype. Identifiers: MedGen CN230736.

Submissions (2):

Labcorp Genetics (formerly Invitae), Labcorp
Classification: Uncertain significance. Last evaluated: 2025-07-15. Review status: criteria provided, single submitter. Criteria: Invitae Variant Classification Sherloc (09022015). Collection method: clinical testing. Allele origin: germline.
Comment: This sequence change replaces threonine, which is neutral and polar, with arginine, which is basic and polar, at codon 7 of the LZTR1 protein (p.Thr7Arg). This variant is not present in population databases (gnomAD no frequency). This variant has not been reported in the literature in individuals affected with LZTR1-related conditions. ClinVar contains an entry for this variant (Variation ID: 1785875). Invitae Evidence Modeling of protein sequence and biophysical properties (such as structural, functional, and spatial information, amino acid conservation, physicochemical variation, residue mobility, and thermodynamic stability) has been performed for this missense variant. However, the output from this modeling did not meet the statistical confidence thresholds required to predict the impact of this variant on LZTR1 protein function. In summary, the available evidence is currently insufficient to determine the role of this variant in disease. Therefore, it has been classified as a Variant of Uncertain Significance.

Ambry Genetics
Classification: Likely benign for Cardiovascular phenotype; Hereditary cancer-predisposing syndrome. Last evaluated: 2025-06-23. Review status: criteria provided, single submitter. Criteria: Ambry Variant Classification Scheme 2023. Collection method: clinical testing. Allele origin: germline.